The following is an entry in ClinVar:

ClinVar aggregate classification (germline): Pathogenic (1 of 4 stars; one submission).

Conditions:
PMM2-congenital disorder of glycosylation. Also called: CDG Ia; PMM2-CDG; Congenital disorder of glycosylation, type Ia; JAEKEN SYNDROME; PHOSPHOMANNOMUTASE 2 DEFICIENCY; CARBOHYDRATE-DEFICIENT GLYCOPROTEIN SYNDROME, TYPE Ia. Identifiers: Orphanet 79318, MedGen C0349653, MONDO:0008907, OMIM 212065.

gnomAD v4.1: 1 of 1,611,344 alleles (0.000062%); highest among the groups gnomAD compares: Non-Finnish European, 0.000085%; no homozygotes.

Submission:

Labcorp Genetics (formerly Invitae), Labcorp
Classification: Pathogenic for PMM2-congenital disorder of glycosylation. Last evaluated: 2023-03-18. Review status: criteria provided, single submitter. Criteria: Invitae Variant Classification Sherloc (09022015). Collection method: clinical testing. Allele origin: germline.
Comment: This variant disrupts the p.Ile153 amino acid residue in PMM2. Other variant(s) that disrupt this residue have been determined to be pathogenic (PMID: 11058895, 11156536, 25497157, 26502900; Invitae). This suggests that this residue is clinically significant, and that variants that disrupt this residue are likely to be disease-causing. For these reasons, this variant has been classified as Pathogenic. Advanced modeling of protein sequence and biophysical properties (such as structural, functional, and spatial information, amino acid conservation, physicochemical variation, residue mobility, and thermodynamic stability) performed at Invitae indicates that this missense variant is expected to disrupt PMM2 protein function. This missense change has been observed in individual(s) with PMM2-congenital disorder of glycosylation (Invitae). This variant is not present in population databases (gnomAD no frequency). This sequence change replaces isoleucine, which is neutral and non-polar, with lysine, which is basic and polar, at codon 153 of the PMM2 protein (p.Ile153Lys).

Literature cited by the submitters: PubMed 11058895; PubMed 11156536; PubMed 25497157; PubMed 26502900.

NM_000303.3(PMM2):c.458T>A (p.Ile153Lys)

Gene: PMM2 (phosphomannomutase 2; plus strand). Cytogenetic location: 16p13.2.
Variant type: single nucleotide variant.
Coding change: c.458T>A on transcript NM_000303.3 (MANE Select); coding-DNA position 458, T replaced by A.
Protein change: p.Ile153Lys; replaces isoleucine 153 with lysine.
Molecular consequence: missense variant.
Genome position (GRCh38, 1-based): chr16:8,811,648, T>A. VCF-style: chr16-8811648-T-A. GRCh37 (hg19) VCF-style: chr16-8905505-T-A.
Other names: short protein forms I153K.
Identifiers: ClinVar variation 2961803 (VCV002961803.3), dbSNP rs150577656, ClinGen allele CA394696883.